The following is an entry in ClinVar:

ClinVar aggregate classification (germline): Uncertain significance (1 of 4 stars; one submission).

Conditions:
Duchenne muscular dystrophy (DMD). Also called: MUSCULAR DYSTROPHY, PSEUDOHYPERTROPHIC PROGRESSIVE, DUCHENNE TYPE; Duchenne Muscular Dystrophy (DMD). Identifiers: Orphanet 98896, MedGen C0013264, MONDO:0010679, OMIM 310200.

Submission:

Victorian Clinical Genetics Services, Murdoch Childrens Research Institute
Classification: Uncertain significance for Duchenne muscular dystrophy. Last evaluated: 2022-03-31. Review status: criteria provided, single submitter. Criteria: ACMG Guidelines, 2015. Collection method: clinical testing. Allele origin: germline. Inheritance: X-linked recessive inheritance. Affected: yes.
Comment: Based on the classification scheme VCGS_Germline_v1.3.4, this variant is classified as VUS-3C. Following criteria are met: 0102 - Loss of function is a known mechanism of disease in this gene and is associated with Becker muscular dystrophy (MIM#300376), Duchenne muscular dystrophy (MIM#310200) and dilated cardiomyopathy 3B (MIM#302045). (I) 0109 - This gene is associated with X-linked recessive disease, relating to the muscular dystrophy phenotypes. However, it is also associated with dilated cardiomyopathy, which can affect heterozygous females (OMIM, PMID: 26066469). (I) 0200 - Variant is predicted to result in a missense amino acid change from proline to threonine. (I) 0253 - This variant is hemizygous. (I) 0301 - Variant is absent from gnomAD (both v2 and v3). (SP) 0309 - An alternative amino acid change at the same position has been observed in gnomAD (v2) (2 heterozygotes, 0 homozygotes, 2 hemizygotes). (I) 0503 - Missense variant consistently predicted to be tolerated by multiple in silico tools or not conserved in placental mammals with a minor amino acid change. (SB) 0604 - Variant is not located in an established domain, motif, hotspot or informative constraint region. (I) 0705 - No comparable missense variants have previous evidence for pathogenicity. (I) 0807 - This variant has no previous evidence of pathogenicity. (I) 0905 - No published segregation evidence has been identified for this variant. (I) 1007 - No published functional evidence has been identified for this variant. (I) 1208 - Inheritance information for this variant is not currently available in this individual. (I) Legend: (SP) - Supporting pathogenic, (I) - Information, (SB) - Supporting benign

Literature cited by the submitters: PubMed 26066469.

NM_004006.3(DMD):c.5386C>A (p.Pro1796Thr)

Gene: DMD (dystrophin; minus strand). Cytogenetic location: Xp21.1.
Variant type: single nucleotide variant.
Coding change: c.5386C>A on transcript NM_004006.3 (MANE Select); coding-DNA position 5386, C replaced by A.
Protein change: p.Pro1796Thr; replaces proline 1796 with threonine.
Molecular consequence: missense variant.
Genome position (GRCh38, 1-based): chrX:32,348,468, G>T on the plus strand (C>A on the coding strand, the complement: DMD is on the minus strand). VCF-style: chrX-32348468-G-T. GRCh37 (hg19) VCF-style: chrX-32366585-G-T.
Other names: c.5362C>A, p.Pro1788Thr (NM_000109.4); c.5374C>A, p.Pro1792Thr (NM_004009.3); c.5017C>A, p.Pro1673Thr (NM_004010.3); c.1363C>A, p.Pro455Thr (NM_004011.4); c.1354C>A, p.Pro452Thr (NM_004012.4); short protein forms P1673T, P1788T, P1792T, P1796T, P452T, P455T.
Identifiers: ClinVar variation 1805428 (VCV001805428.1), dbSNP rs758124706, ClinGen allele CA412667883.